The following is an entry in ClinVar:

ClinVar aggregate classification (germline): Benign. Review status: criteria provided, multiple submitters, no conflicts (2 of 4 stars). 3 submissions from 3 submitters: Benign (2). 1 of the submissions does not count toward it. Last evaluated 2019-12-31.

Conditions:
SLC7A5-related disorder. Also called: SLC7A5-related condition.

Allele frequency attached by ClinVar (database versions not stated): TOPMed 0.00413; gnomAD 0.00321 and 0.00349; ESP Exome Variant Server 0.00339; 1000 Genomes Project 30x 0.00344; gnomAD exomes 0.00112; ExAC 0.00201; 1000 Genomes Project 0.00339.
gnomAD v4.1: 1,120 of 1,604,864 alleles (0.07%); highest among the groups gnomAD compares: African/African-American, 1%; 3 homozygotes.

Submissions (3):

Labcorp Genetics (formerly Invitae), Labcorp
Classification: Benign. Last evaluated: 2019-12-31. Review status: criteria provided, single submitter. Criteria: Invitae Variant Classification Sherloc (09022015). Collection method: clinical testing. Allele origin: germline.

Breakthrough Genomics
Classification: Benign. Review status: criteria provided, single submitter. Criteria: ACMG Guidelines, 2015. Collection method: not provided. Allele origin: germline. Inheritance: Unknown mechanism. Affected: yes.

PreventionGenetics, part of Exact Sciences
Classification: Benign for SLC7A5-related condition. Last evaluated: 2019-05-24. Review status: no assertion criteria provided. Collection method: clinical testing. Allele origin: germline. Not counted in ClinVar's aggregate classification.
Comment: This variant is classified as benign based on ACMG/AMP sequence variant interpretation guidelines (Richards et al. 2015 PMID: 25741868, with internal and published modifications).

NM_003486.7(SLC7A5):c.1131C>T (p.Leu377=)

Genes: SLC7A5 (solute carrier family 7 member 5; minus strand), LOC126862442 (BRD4-independent group 4 enhancer GRCh37_chr16:87870283-87871482; plus strand). Cytogenetic location: 16q24.2.
Variant type: single nucleotide variant.
Coding change: c.1131C>T on transcript NM_003486.7 (MANE Select); coding-DNA position 1131, C replaced by T.
Protein change: p.Leu377=; no amino-acid change (leucine 377 retained).
Molecular consequence: synonymous variant.
Genome position (GRCh38, 1-based): chr16:87,837,854, G>A on the plus strand (C>T on the coding strand, the complement: SLC7A5 is on the minus strand). VCF-style: chr16-87837854-G-A. GRCh37 (hg19) VCF-style: chr16-87871460-G-A.
Identifiers: ClinVar variation 786640 (VCV000786640.7), dbSNP rs2230174, ClinGen allele CA8222774.